The following is an entry in ClinVar:

NM_018896.5(CACNA1G):c.4784C>A (p.Ser1595Tyr)

Gene: CACNA1G (calcium voltage-gated channel subunit alpha1 G; plus strand). Cytogenetic location: 17q21.33.
Variant type: single nucleotide variant.
Coding change: c.4784C>A on transcript NM_018896.5 (MANE Select); coding-DNA position 4784, C replaced by A.
Protein change: p.Ser1595Tyr; replaces serine 1595 with tyrosine.
Molecular consequence: missense variant. On other transcripts: non-coding transcript variant (5).
Genome position (GRCh38, 1-based): chr17:50,615,385, C>A. VCF-style: chr17-50615385-C-A. GRCh37 (hg19) VCF-style: chr17-48692746-C-A.
Other names: c.4730C>A, p.Ser1577Tyr (NM_001256324.2, NM_198386.3, NM_001256328.2); c.4703C>A, p.Ser1568Tyr (NM_001256359.2); c.4676C>A, p.Ser1559Tyr (NM_001256360.2); c.4670C>A, p.Ser1557Tyr (NM_001256361.2); c.4682C>A, p.Ser1561Tyr (NM_198376.3, NM_198379.3, NM_198387.3 and 2 more transcripts); c.4751C>A, p.Ser1584Tyr (NM_198377.3, NM_198378.3, NM_198380.3 and 1 more transcripts); c.4715C>A, p.Ser1572Tyr (NM_198382.3, NM_198383.3); c.4784C>A, p.Ser1595Tyr (NM_198384.3, NM_198385.3, NM_001256327.2 and 1 more transcripts); and 5 more; short protein forms S1543Y, S1568Y, S1577Y, S1595Y, S1557Y, S1572Y, S1550Y, S1554Y.
Identifiers: ClinVar variation 4765090 (VCV004765090.1).

ClinVar aggregate classification (germline): Uncertain significance (1 of 4 stars; one submission).

Submission:

Labcorp Genetics (formerly Invitae), Labcorp
Classification: Uncertain significance. Last evaluated: 2025-12-01. Review status: criteria provided, single submitter. Criteria: Invitae Variant Classification Sherloc (09022015). Collection method: clinical testing. Allele origin: germline.
Comment: This sequence change replaces serine, which is neutral and polar, with tyrosine, which is neutral and polar, at codon 1595 of the CACNA1G protein (p.Ser1595Tyr). This variant is present in population databases (no rsID available, gnomAD 0.003%). This variant has not been reported in the literature in individuals affected with CACNA1G-related conditions. Invitae Evidence Modeling of protein sequence and biophysical properties (such as structural, functional, and spatial information, amino acid conservation, physicochemical variation, residue mobility, and thermodynamic stability) has been performed for this missense variant. However, the output from this modeling did not meet the statistical confidence thresholds required to predict the impact of this variant on CACNA1G protein function. In summary, the available evidence is currently insufficient to determine the role of this variant in disease. Therefore, it has been classified as a Variant of Uncertain Significance.